The following is an entry in ClinVar:

NM_153676.4(USH1C):c.2122T>C (p.Ser708Pro)

Gene: USH1C (USH1 protein network component harmonin; minus strand). Cytogenetic location: 11p15.1.
Variant type: single nucleotide variant.
Coding change: c.2122T>C on transcript NM_153676.4 (MANE Select); coding-DNA position 2122, T replaced by C.
Protein change: p.Ser708Pro; replaces serine 708 with proline.
Molecular consequence: missense variant. On other transcripts: intron variant (2).
Genome position (GRCh38, 1-based): chr11:17,505,841, A>G on the plus strand (T>C on the coding strand, the complement: USH1C is on the minus strand). VCF-style: chr11-17505841-A-G. GRCh37 (hg19) VCF-style: chr11-17527388-A-G.
Other names: c.1228-3861T>C (NM_001297764.2); c.1285-3861T>C (NM_005709.4); short protein forms S708P.
Identifiers: ClinVar variation 2582111 (VCV002582111.1), dbSNP rs1849626756, ClinGen allele CA379769500.

ClinVar aggregate classification (germline): Uncertain significance (1 of 4 stars; one submission).

Allele frequency attached by ClinVar (database versions not stated): TOPMed below 0.00001; gnomAD exomes 0.00001.
gnomAD v4.1: 9 of 1,614,054 alleles (0.00056%); highest among the groups gnomAD compares: Non-Finnish European, 0.00076%; no homozygotes.

Submission:

GeneDx
Classification: Uncertain significance. Last evaluated: 2023-03-27. Review status: criteria provided, single submitter. Criteria: GeneDx Variant Classification Process June 2021. Collection method: clinical testing. Allele origin: germline. Affected: yes.
Comment: Not observed at significant frequency in large population cohorts (gnomAD); In silico analysis supports that this variant does not alter splicing; Has not been previously published as pathogenic or benign to our knowledge